The following is an entry in ClinVar:

NM_000264.5(PTCH1):c.1489G>A (p.Ala497Thr)

Gene: PTCH1 (patched 1; minus strand). Cytogenetic location: 9q22.32.
Variant type: single nucleotide variant.
Coding change: c.1489G>A on transcript NM_000264.5 (MANE Select); coding-DNA position 1489, G replaced by A.
Protein change: p.Ala497Thr; replaces alanine 497 with threonine.
Molecular consequence: missense variant. On other transcripts: non-coding transcript variant (1), intron variant (1).
Genome position (GRCh38, 1-based): chr9:95,477,561, C>T on the plus strand (G>A on the coding strand, the complement: PTCH1 is on the minus strand). VCF-style: chr9-95477561-C-T. GRCh37 (hg19) VCF-style: chr9-98239843-C-T.
Other names: c.1489G>A (NM_000264.4); c.1291G>A, p.Ala431Thr (NM_001083602.3); c.1486G>A, p.Ala496Thr (NM_001083603.3); c.1036G>A, p.Ala346Thr (NM_001083604.3, NM_001083605.3, NM_001083606.3 and 1 more transcripts); c.1347+494G>A (NM_001354918.2); short protein forms A431T, A497T, A346T, A496T.
Identifiers: ClinVar variation 453790 (VCV000453790.15), dbSNP rs1398130707, ClinGen allele CA374118397.

ClinVar aggregate classification (germline): Conflicting classifications of pathogenicity. Review status: criteria provided, conflicting classifications (1 of 4 stars). 3 submissions from 3 submitters: Uncertain significance (2); Likely benign (1). Last evaluated 2026-04-21.

Conditions:
Hereditary cancer-predisposing syndrome. Also called: Hereditary Cancer Syndrome; Tumor predisposition; Hereditary neoplastic syndrome; Neoplastic Syndromes, Hereditary. Identifiers: Orphanet 140162, MedGen C0027672, MeSH D009386, MONDO:0015356.
Gorlin syndrome. Also called: Basal cell nevus syndrome; Nevoid Basal Cell Carcinoma Syndrome. Identifiers: Orphanet 377, MedGen C0004779, MONDO:0007187.

Allele frequency attached by ClinVar (database versions not stated): TOPMed 0.00001; gnomAD exomes 0.00001.
gnomAD v4.1: 10 of 1,614,144 alleles (0.00062%); highest among the groups gnomAD compares: Admixed American, 0.0083%; no homozygotes.

Submissions (3):

Ambry Genetics
Classification: Uncertain significance for Hereditary cancer-predisposing syndrome. Last evaluated: 2026-04-21. Review status: criteria provided, single submitter. Criteria: Ambry Variant Classification Scheme 2023. Collection method: clinical testing. Allele origin: germline.
Comment: The p.A497T variant (also known as c.1489G>A), located in coding exon 10 of the PTCH1 gene, results from a G to A substitution at nucleotide position 1489. The alanine at codon 497 is replaced by threonine, an amino acid with similar properties. This variant was described in 1 of 181 Chinese individuals with polydactyly (Zu B et al. Comput Struct Biotechnol J, 2021 Jun;19:3482-3490). This amino acid position is highly conserved in available vertebrate species. In addition, the in silico prediction for this alteration is inconclusive. Based on the available evidence, the clinical significance of this variant remains unclear.

Labcorp Genetics (formerly Invitae), Labcorp
Classification: Likely benign for Gorlin syndrome. Last evaluated: 2026-01-18. Review status: criteria provided, single submitter. Criteria: Invitae Variant Classification Sherloc (09022015). Collection method: clinical testing. Allele origin: germline.

Quest Diagnostics Nichols Institute San Juan Capistrano
Classification: Uncertain significance. Last evaluated: 2023-07-11. Review status: criteria provided, single submitter. Criteria: Quest Diagnostics criteria. Collection method: clinical testing. Allele origin: unknown.
Comment: In the published literature, this variant has been reported in an individual with polydactyly (PMID: 34194672 (2021)). The frequency of this variant in the general population, 0.000087 (3/34590 chromosomes in Latino/Admixed American subpopulation (Genome Aggregation Database)), is higher than would generally be expected for pathogenic variants in this gene. Analysis of this variant using bioinformatics tools for the prediction of the effect of amino acid changes on protein structure and function yielded predictions that this variant is damaging. Based on the available information, we are unable to determine the clinical significance of this variant.

Literature cited by the submitters: PubMed 34194672 (cited by Ambry Genetics and Quest Diagnostics Nichols Institute San Juan Capistrano).